The following is an entry in ClinVar:

ClinVar aggregate classification (germline): Conflicting classifications of pathogenicity. Review status: criteria provided, conflicting classifications (1 of 4 stars). 4 submissions from 4 submitters: Uncertain significance (3); Likely benign (1). Last evaluated 2026-04-01.

Conditions:
Hypogonadotropic hypogonadism 3 with or without anosmia (HH3). Also called: HYPOGONADOTROPIC HYPOGONADISM 3 WITH ANOSMIA; PROKR2-Related GnRH Deficiency (Kallmann Syndrome 3). Identifiers: Orphanet 478, MedGen C3550478, MONDO:0009482, OMIM 244200.

Allele frequency attached by ClinVar (database versions not stated): ESP Exome Variant Server 0.00008; TOPMed 0.00016; gnomAD 0.00021; ExAC 0.00023; gnomAD exomes 0.00031.

Submissions (4):

CeGaT Center for Human Genetics Tuebingen
Classification: Likely benign. Last evaluated: 2026-04-01. Review status: criteria provided, single submitter. Criteria: CeGaT Center For Human Genetics Tuebingen Variant Classification Criteria Version 2. Collection method: clinical testing. Allele origin: germline. Affected: yes. Observed: 2 variant alleles.
Comment: PROKR2: BP4, BS1

Labcorp Genetics (formerly Invitae), Labcorp
Classification: Uncertain significance. Last evaluated: 2026-01-23. Review status: criteria provided, single submitter. Criteria: Invitae Variant Classification Sherloc (09022015). Collection method: clinical testing. Allele origin: germline.
Comment: This sequence change replaces serine, which is neutral and polar, with glycine, which is neutral and non-polar, at codon 202 of the PROKR2 protein (p.Ser202Gly). This variant is present in population databases (rs200755554, gnomAD 0.04%). This variant has not been reported in the literature in individuals affected with PROKR2-related conditions. ClinVar contains an entry for this variant (Variation ID: 2775885). Invitae Evidence Modeling of protein sequence and biophysical properties (such as structural, functional, and spatial information, amino acid conservation, physicochemical variation, residue mobility, and thermodynamic stability) indicates that this missense variant is not expected to disrupt PROKR2 protein function with a negative predictive value of 80%. Experimental studies have shown that this missense change does not substantially affect PROKR2 function (PMID: 36694982). In summary, the available evidence is currently insufficient to determine the role of this variant in disease. Therefore, it has been classified as a Variant of Uncertain Significance.

Fulgent Genetics
Classification: Uncertain significance for Hypogonadotropic hypogonadism 3 with or without anosmia. Last evaluated: 2024-04-19. Review status: criteria provided, single submitter. Criteria: ACMG Guidelines, 2015. Collection method: clinical testing. Allele origin: germline.

Department of Pathology and Laboratory Medicine, Sinai Health System
Classification: Uncertain significance for Hypogonadotropic hypogonadism 3 with or without anosmia. Last evaluated: 2022-02-08. Review status: criteria provided, single submitter. Criteria: ACMG Guidelines, 2015. Collection method: research. Allele origin: germline.

Literature cited by the submitters: PubMed 36694982 (cited by Labcorp Genetics (formerly Invitae), Labcorp).

NM_144773.4(PROKR2):c.604A>G (p.Ser202Gly)

Gene: PROKR2 (prokineticin receptor 2; minus strand). Cytogenetic location: 20p12.3.
Variant type: single nucleotide variant.
Coding change: c.604A>G on transcript NM_144773.4 (MANE Select); coding-DNA position 604, A replaced by G.
Protein change: p.Ser202Gly; replaces serine 202 with glycine.
Molecular consequence: missense variant.
Genome position (GRCh38, 1-based): chr20:5,302,591, T>C on the plus strand (A>G on the coding strand, the complement: PROKR2 is on the minus strand). VCF-style: chr20-5302591-T-C. GRCh37 (hg19) VCF-style: chr20-5283237-T-C.
Other names: short protein forms S202G.
Identifiers: ClinVar variation 2775885 (VCV002775885.12), dbSNP rs200755554, ClinGen allele CA9754309.